The following is an entry in ClinVar:

ClinVar aggregate classification (germline): Uncertain significance (1 of 4 stars; one submission).

Conditions:
Leigh syndrome (NULS). Also called: Leigh's necrotizing encephalopathy; Leigh's disease; Leigh Syndrome (mtDNA deletion); Leigh Disease; Subacute necrotizing encephalopathy; Necrotizing encephalopathy infantile subacute of Leigh. Identifiers: Orphanet 506, MedGen C2931891, MONDO:0009723, OMIM 256000.

Submission:

Wong Mito Lab, Molecular and Human Genetics, Baylor College of Medicine
Classification: Uncertain significance for Leigh syndrome. Last evaluated: 2019-10-17. Review status: criteria provided, single submitter. Criteria: Modified ACMG Guidelines (Unpublished). Collection method: clinical testing. Allele origin: germline.
Comment: The NC_012920.1:m.9838G>A (YP_003024032.1:p.Gly211Asp) variant in MTCO3 gene is interpretated to be a Uncertain Significance variant based on the modified ACMG guidelines (unpublished). This variant meets the following evidence codes: PP7

NC_012920.1(MT-CO3):m.9838G>A

Gene: MT-CO3 (mitochondrially encoded cytochrome c oxidase III; plus strand).
Variant type: single nucleotide variant.
Genome position: chrM-9838-G-A.
Identifiers: ClinVar variation 693237 (VCV000693237.1), dbSNP rs1603222533, ClinGen allele CA414803822.